The following is an entry in ClinVar:

ClinVar aggregate classification (germline): Uncertain significance (1 of 4 stars; one submission).

Conditions:
Hereditary cancer-predisposing syndrome. Also called: Neoplastic Syndromes, Hereditary; Tumor predisposition; Hereditary Cancer Syndrome; Hereditary neoplastic syndrome. Identifiers: Orphanet 140162, MedGen C0027672, MeSH D009386, MONDO:0015356.

Allele frequency attached by ClinVar (database versions not stated): gnomAD exomes below 0.00001.

Submission:

Ambry Genetics
Classification: Uncertain significance for Hereditary cancer-predisposing syndrome. Last evaluated: 2021-03-31. Review status: criteria provided, single submitter. Criteria: Ambry Variant Classification Scheme 2023. Collection method: clinical testing. Allele origin: germline.
Comment: The p.I226V variant (also known as c.676A>G), located in coding exon 5 of the CDK4 gene, results from an A to G substitution at nucleotide position 676. The isoleucine at codon 226 is replaced by valine, an amino acid with highly similar properties. This amino acid position is highly conserved in available vertebrate species. In addition, this alteration is predicted to be tolerated by in silico analysis. Since supporting evidence is limited at this time, the clinical significance of this alteration remains unclear.

NM_000075.4(CDK4):c.676A>G (p.Ile226Val)

Genes: TSPAN31 (tetraspanin 31; plus strand), CDK4 (cyclin dependent kinase 4; minus strand). Cytogenetic location: 12q14.1.
Variant type: single nucleotide variant.
Coding change: c.676A>G on transcript NM_000075.4 (MANE Select); coding-DNA position 676, A replaced by G.
Protein change: p.Ile226Val; replaces isoleucine 226 with valine.
Molecular consequence: missense variant. On other transcripts: 3 prime UTR variant (3).
Genome position (GRCh38, 1-based): chr12:57,749,461, T>C on the plus strand (A>G on the coding strand, the complement: CDK4 is on the minus strand). VCF-style: chr12-57749461-T-C. GRCh37 (hg19) VCF-style: chr12-58143244-T-C.
Other names: c.*2171T>C (NM_001330168.2, NM_001330169.2, NM_005981.5); short protein forms I226V.
Identifiers: ClinVar variation 1755331 (VCV001755331.2), dbSNP rs2140383814, ClinGen allele CA385543919.